The following is an entry in ClinVar:

ClinVar aggregate classification (germline): Conflicting classifications of pathogenicity. Review status: criteria provided, conflicting classifications (1 of 4 stars). 3 submissions from 3 submitters: Uncertain significance (2); Likely benign (1). Last evaluated 2025-03-10.

Conditions:
Norman-Roberts syndrome (LIS2). Also called: Lissencephaly 2 (Norman-Roberts type). Identifiers: Orphanet 89844, MedGen C0796089, MONDO:0009760, OMIM 257320.
Familial temporal lobe epilepsy 7. Identifiers: Orphanet 101046, MedGen C4225327, MONDO:0014639, OMIM 616436.

Allele frequency attached by ClinVar (database versions not stated): ExAC 0.00001; gnomAD exomes 0.00001; gnomAD 0.00003; TOPMed 0.00006.
gnomAD v4.1: 5 of 1,613,806 alleles (0.00031%); highest among the groups gnomAD compares: African/African-American, 0.0053%; no homozygotes.

Submissions (3):

Labcorp Genetics (formerly Invitae), Labcorp
Classification: Likely benign for Familial temporal lobe epilepsy 7; Norman-Roberts syndrome. Last evaluated: 2025-03-10. Review status: criteria provided, single submitter. Criteria: Invitae Variant Classification Sherloc (09022015). Collection method: clinical testing. Allele origin: germline.

GeneDx
Classification: Uncertain significance. Last evaluated: 2020-02-17. Review status: criteria provided, single submitter. Criteria: GeneDx Variant Classification Process June 2021. Collection method: clinical testing. Allele origin: germline. Affected: yes.
Comment: Not observed at a significant frequency in large population cohorts (Lek et al., 2016); In silico analysis supports that this missense variant has a deleterious effect on protein structure/function; Has not been previously published as pathogenic or benign to our knowledge

Blueprint Genetics
Classification: Uncertain significance. Last evaluated: 2018-05-04. Review status: criteria provided, single submitter. Criteria: ACMG Guidelines, 2015. Collection method: clinical testing. Allele origin: germline.

NM_005045.4(RELN):c.2789T>C (p.Phe930Ser)

Gene: RELN (reelin; minus strand). Cytogenetic location: 7q22.1.
Variant type: single nucleotide variant.
Coding change: c.2789T>C on transcript NM_005045.4 (MANE Select); coding-DNA position 2789, T replaced by C.
Protein change: p.Phe930Ser; replaces phenylalanine 930 with serine.
Molecular consequence: missense variant.
Genome position (GRCh38, 1-based): chr7:103,611,717, A>G on the plus strand (T>C on the coding strand, the complement: RELN is on the minus strand). VCF-style: chr7-103611717-A-G. GRCh37 (hg19) VCF-style: chr7-103252164-A-G.
Other names: c.2789T>C, p.Phe930Ser (NM_173054.3); short protein forms F930S.
Identifiers: ClinVar variation 1316080 (VCV001316080.10), dbSNP rs747512816, ClinGen allele CA4421927.